The following is an entry in ClinVar:

ClinVar aggregate classification (germline): Pathogenic (1 of 4 stars; one submission).

Conditions:
Hereditary cancer-predisposing syndrome. Also called: Tumor predisposition; Hereditary Cancer Syndrome; Neoplastic Syndromes, Hereditary; Hereditary neoplastic syndrome. Identifiers: Orphanet 140162, MedGen C0027672, MeSH D009386, MONDO:0015356.

Submission:

Ambry Genetics
Classification: Pathogenic for Hereditary cancer-predisposing syndrome. Last evaluated: 2018-11-14. Review status: criteria provided, single submitter. Criteria: Ambry Variant Classification Scheme 2023. Collection method: clinical testing. Allele origin: germline.
Comment: The c.2831_2835delGTAGT pathogenic mutation, located in coding exon 9 of the BRCA1 gene, results from a deletion of 5 nucleotides at nucleotide positions 2831 to 2835, causing a translational frameshift with a predicted alternate stop codon (p.C944Yfs*6). This alteration is expected to result in loss of function by premature protein truncation or nonsense-mediated mRNA decay. As such, this alteration is interpreted as a disease-causing mutation.

NM_007294.4(BRCA1):c.2831_2835del (p.Cys944fs)

Gene: BRCA1 (BRCA1 DNA repair associated; minus strand). Cytogenetic location: 17q21.31.
Variant type: Deletion.
Coding change: c.2831_2835del on transcript NM_007294.4 (MANE Select); coding-DNA positions 2831 to 2835, 5 bases deleted (GTAGT; older notation c.2831_2835delGTAGT).
Protein change: p.Cys944fs; shifts the reading frame from cysteine 944.
Molecular consequence: frameshift variant. On other transcripts: intron variant (137).
Genome position (GRCh38, 1-based): chr17:43,092,696-43,092,700, ACTAC deleted on the plus strand (GTAGT on the coding strand, the reverse complement: BRCA1 is on the minus strand); deleting any 5 consecutive bases within chr17:43,092,696-43,092,701 gives the same sequence; the c. name uses the placement nearest the transcript's 3' end. VCF-style (leftmost placement, unchanged base first): chr17-43092695-TACTAC-T. GRCh37 (hg19) VCF-style: chr17-41244712-TACTAC-T.
Other names: c.2831_2835delGTAGT (NM_007294.3); c.2450_2454del, p.Cys817fs (NM_001407963.1, NM_001407959.1, NM_001407960.1); c.2687_2691del, p.Cys896fs (NM_001407964.1, NM_001407740.1, NM_001407741.1 and 20 more transcripts); c.2327_2331del, p.Cys776fs (NM_001407965.1); c.1943_1947del, p.Cys648fs (NM_001407966.1, NM_001407967.1); c.2690_2694del, p.Cys897fs (NM_007297.4, NM_001407692.1, NM_001407694.1 and 29 more transcripts); c.2831_2835del, p.Cys944fs (NM_007300.4, NM_001407581.1, NM_001407582.1 and 30 more transcripts); c.647-1668_647-1664del (NM_001408458.1, NM_001408469.1, NM_001408453.1 and 11 more transcripts); and 42 more; short protein forms C897fs, C944fs, C816fs, C903fs, C917fs, C943fs, C776fs, C817fs.
Identifiers: ClinVar variation 1796594 (VCV001796594.2), dbSNP rs2552182964, ClinGen allele CA2580093955.